The following is an entry in ClinVar:

NM_001164277.2(SLC37A4):c.923T>C (p.Met308Thr)

Gene: SLC37A4 (solute carrier family 37 member 4; minus strand). Cytogenetic location: 11q23.3.
Variant type: single nucleotide variant.
Coding change: c.923T>C on transcript NM_001164277.2 (MANE Select); coding-DNA position 923, T replaced by C.
Protein change: p.Met308Thr; replaces methionine 308 with threonine.
Molecular consequence: missense variant.
Genome position (GRCh38, 1-based): chr11:119,026,028, A>G on the plus strand (T>C on the coding strand, the complement: SLC37A4 is on the minus strand). VCF-style: chr11-119026028-A-G. GRCh37 (hg19) VCF-style: chr11-118896738-A-G.
Other names: c.923T>C, p.Met308Thr (NM_001164278.2, NM_001164280.2, NM_001467.6); c.704T>C, p.Met235Thr (NM_001164279.2); short protein forms M308T, M235T.
Identifiers: ClinVar variation 551690 (VCV000551690.7), dbSNP rs1555190738, ClinGen allele CA382897760.

ClinVar aggregate classification (germline): Uncertain significance. Review status: criteria provided, single submitter (1 of 4 stars). 2 submissions from 2 submitters: Uncertain significance (1). 1 of the submissions does not count toward it. Last evaluated 2021-10-05.

Conditions:
Glucose-6-phosphate transport defect (GSD1B). Also called: Glycogen Storage Disease Type Ib; GSD Ib. Identifiers: Orphanet 364, Orphanet 79259, MedGen C0268146, MONDO:0009288, OMIM 232220.

Allele frequency attached by ClinVar (database versions not stated): gnomAD 0.00001.

Submissions (2):

Labcorp Genetics (formerly Invitae), Labcorp
Classification: Uncertain significance for Glucose-6-phosphate transport defect. Last evaluated: 2021-10-05. Review status: criteria provided, single submitter. Criteria: Invitae Variant Classification Sherloc (09022015). Collection method: clinical testing. Allele origin: germline.
Comment: In summary, the available evidence is currently insufficient to determine the role of this variant in disease. Therefore, it has been classified as a Variant of Uncertain Significance. Experimental studies and prediction algorithms are not available or were not evaluated, and the functional significance of this variant is currently unknown. ClinVar contains an entry for this variant (Variation ID: 551690). This variant has not been reported in the literature in individuals affected with SLC37A4-related conditions. This variant is not present in population databases (ExAC no frequency). This sequence change replaces methionine with threonine at codon 308 of the SLC37A4 protein (p.Met308Thr). The methionine residue is highly conserved and there is a moderate physicochemical difference between methionine and threonine.

Counsyl
Classification: Uncertain significance for Glucose-6-phosphate transport defect. Last evaluated: 2017-05-01. Review status: no assertion criteria provided. Collection method: clinical testing. Allele origin: unknown. Not counted in ClinVar's aggregate classification.